The following is an entry in ClinVar:

ClinVar aggregate classification (germline): Uncertain significance. Review status: criteria provided, multiple submitters, no conflicts (2 of 4 stars). 2 submissions from 2 submitters: Uncertain significance (2). Last evaluated 2025-08-07.

Conditions:
Inborn genetic diseases. Identifiers: MedGen C0950123, MeSH D030342.
Hereditary sensory and autonomic neuropathy type 7. Also called: Neuropathy, hereditary sensory and autonomic, type VII; HSAN VII. Identifiers: Orphanet 391397, MedGen C3809882, MONDO:0014244, OMIM 615548.
Familial episodic pain syndrome with predominantly lower limb involvement. Also called: Episodic pain syndrome, familial, 3. Identifiers: Orphanet 391384, Orphanet 391392, MedGen C3809899, MONDO:0014247, OMIM 615552.

Allele frequency attached by ClinVar (database versions not stated): ExAC 0.00001; gnomAD exomes 0.00002; gnomAD 0.00003; TOPMed 0.00003; 1000 Genomes Project 30x 0.00016; 1000 Genomes Project 0.00020.
gnomAD v4.1: 27 of 1,614,056 alleles (0.0017%); highest among the groups gnomAD compares: Non-Finnish European, 0.0021%; no homozygotes.

Submissions (2):

Ambry Genetics
Classification: Uncertain significance for Inborn genetic diseases. Last evaluated: 2025-08-07. Review status: criteria provided, single submitter. Criteria: Ambry Variant Classification Scheme 2023. Collection method: clinical testing. Allele origin: germline.

Labcorp Genetics (formerly Invitae), Labcorp
Classification: Uncertain significance for Familial episodic pain syndrome with predominantly lower limb involvement; Hereditary sensory and autonomic neuropathy type 7. Last evaluated: 2024-10-30. Review status: criteria provided, single submitter. Criteria: Invitae Variant Classification Sherloc (09022015). Collection method: clinical testing. Allele origin: germline.
Comment: This sequence change replaces proline, which is neutral and non-polar, with alanine, which is neutral and non-polar, at codon 1673 of the SCN11A protein (p.Pro1673Ala). This variant is present in population databases (rs201287323, gnomAD 0.004%). This variant has not been reported in the literature in individuals affected with SCN11A-related conditions. ClinVar contains an entry for this variant (Variation ID: 1744790). Invitae Evidence Modeling of protein sequence and biophysical properties (such as structural, functional, and spatial information, amino acid conservation, physicochemical variation, residue mobility, and thermodynamic stability) has been performed for this missense variant. However, the output from this modeling did not meet the statistical confidence thresholds required to predict the impact of this variant on SCN11A protein function. In summary, the available evidence is currently insufficient to determine the role of this variant in disease. Therefore, it has been classified as a Variant of Uncertain Significance.

NM_001349253.2(SCN11A):c.5017C>G (p.Pro1673Ala)

Gene: SCN11A (sodium voltage-gated channel alpha subunit 11; minus strand). Cytogenetic location: 3p22.2.
Variant type: single nucleotide variant.
Coding change: c.5017C>G on transcript NM_001349253.2 (MANE Select); coding-DNA position 5017, C replaced by G.
Protein change: p.Pro1673Ala; replaces proline 1673 with alanine.
Molecular consequence: missense variant.
Genome position (GRCh38, 1-based): chr3:38,847,053, G>C on the plus strand (C>G on the coding strand, the complement: SCN11A is on the minus strand). VCF-style: chr3-38847053-G-C. GRCh37 (hg19) VCF-style: chr3-38888544-G-C.
Other names: c.5017C>G, p.Pro1673Ala (NM_014139.3); short protein forms P1673A.
Identifiers: ClinVar variation 1744790 (VCV001744790.5), dbSNP rs201287323, ClinGen allele CA2321419.
Genomic context (GRCh38, chr3:38,847,053, plus strand): 5'-CCCTAGCGGTGAAGGCGAAAAGAATATCCATGCAGTGGAGGCGATCTTCACTCACCATGG[G>C]CAAGTCCATTACTAGAAATTGATATTTATTTGGCTTTGCGACACGCAAAGGCTCAGGCAA-3'
Protein context (NP_001336182.1, residues 1663-1683): NKYQFLVMDL[Pro1673Ala]MVSEDRLHCM